The following is an entry in ClinVar:

NM_000059.4(BRCA2):c.923T>G (p.Phe308Cys)

Gene: BRCA2 (BRCA2 DNA repair associated; plus strand). Cytogenetic location: 13q13.1.
Variant type: single nucleotide variant.
Coding change: c.923T>G on transcript NM_000059.4 (MANE Select); coding-DNA position 923, T replaced by G.
Protein change: p.Phe308Cys; replaces phenylalanine 308 with cysteine.
Molecular consequence: missense variant. On other transcripts: non-coding transcript variant (1), intron variant (1).
Genome position (GRCh38, 1-based): chr13:32,332,401, T>G. VCF-style: chr13-32332401-T-G. GRCh37 (hg19) VCF-style: chr13-32906538-T-G.
Other names: c.923T>G, p.Phe308Cys (NM_001406719.1, NM_001406720.1, NM_001406721.1 and 1 more transcripts); c.424+1371T>G (NM_001406722.1); short protein forms F308C.
Identifiers: ClinVar variation 3364976 (VCV003364976.1).

ClinVar aggregate classification (germline): Uncertain significance (1 of 4 stars; one submission).

Submission:

GeneDx
Classification: Uncertain significance. Last evaluated: 2023-11-29. Review status: criteria provided, single submitter. Criteria: GeneDx Variant Classification Process June 2021. Collection method: clinical testing. Allele origin: germline. Affected: yes.
Comment: Not observed at significant frequency in large population cohorts (gnomAD); In silico analysis supports that this missense variant does not alter protein structure/function; Has not been previously published as pathogenic or benign to our knowledge; Also known as 1151T>G